The following is an entry in ClinVar:

ClinVar aggregate classification (germline): Likely benign. Review status: criteria provided, single submitter (1 of 4 stars). 2 submissions from 2 submitters: Likely benign (1). 1 of the submissions does not count toward it. Last evaluated 2024-11-20.

Conditions:
DNAH17-related disorder. Also called: DNAH17-related condition.

Allele frequency attached by ClinVar (database versions not stated): gnomAD exomes 0.00040; gnomAD 0.00045; TOPMed 0.00046; ExAC 0.00084; 1000 Genomes Project 30x 0.00172; 1000 Genomes Project 0.00200.
gnomAD v4.1: 644 of 1,611,852 alleles (0.04%); highest among the groups gnomAD compares: East Asian, 1.4%; 7 homozygotes.

Submissions (2):

Blueprint Genetics
Classification: Likely benign. Last evaluated: 2024-11-20. Review status: criteria provided, single submitter. Criteria: ACMG Guidelines, 2015. Collection method: clinical testing. Allele origin: germline.

PreventionGenetics, part of Exact Sciences
Classification: Benign for DNAH17-related condition. Last evaluated: 2019-09-20. Review status: no assertion criteria provided. Collection method: clinical testing. Allele origin: germline. Not counted in ClinVar's aggregate classification.
Comment: This variant is classified as benign based on ACMG/AMP sequence variant interpretation guidelines (Richards et al. 2015 PMID: 25741868, with internal and published modifications).

NM_173628.4(DNAH17):c.2595C>T (p.Tyr865=)

Gene: DNAH17 (dynein axonemal heavy chain 17; minus strand). Cytogenetic location: 17q25.3.
Variant type: single nucleotide variant.
Coding change: c.2595C>T on transcript NM_173628.4 (MANE Select); coding-DNA position 2595, C replaced by T.
Protein change: p.Tyr865=; no amino-acid change (tyrosine 865 retained).
Molecular consequence: synonymous variant.
Genome position (GRCh38, 1-based): chr17:78,539,818, G>A on the plus strand (C>T on the coding strand, the complement: DNAH17 is on the minus strand). VCF-style: chr17-78539818-G-A. GRCh37 (hg19) VCF-style: chr17-76535900-G-A.
Identifiers: ClinVar variation 3033306 (VCV003033306.3), dbSNP rs75324689, ClinGen allele CA8804582.